The following is an entry in ClinVar:

NM_001166114.2(PNPLA6):c.2260+6A>C

Gene: PNPLA6 (patatin like domain 6, lysophospholipase; plus strand). Cytogenetic location: 19p13.2.
Variant type: single nucleotide variant.
Coding change: c.2260+6A>C on transcript NM_001166114.2 (MANE Select); 6 bases into the intron after coding-DNA position 2260, A replaced by C.
Molecular consequence: intron variant.
Genome position (GRCh38, 1-based): chr19:7,551,443, A>C. VCF-style: chr19-7551443-A-C. GRCh37 (hg19) VCF-style: chr19-7616329-A-C.
Other names: c.2143+6A>C (NM_006702.5, NM_001166113.1); c.2065+6A>C (NM_001166112.2); c.2287+6A>C (NM_001166111.2).
Identifiers: ClinVar variation 2046131 (VCV002046131.4), dbSNP rs2512539293, ClinGen allele CA2576597816.

ClinVar aggregate classification (germline): Uncertain significance (1 of 4 stars; one submission).

Conditions:
Hereditary spastic paraplegia 39 (SPG39). Also called: Spastic Paraplegia Type 39 (SPG39); SPASTIC PARAPLEGIA 39, AUTOSOMAL RECESSIVE. Identifiers: Orphanet 139480, MedGen C2677586, MONDO:0012787, OMIM 612020.

Allele frequency attached by ClinVar (database versions not stated): gnomAD exomes below 0.00001.
gnomAD v4.1: 2 of 1,612,874 alleles (0.00012%); highest among the groups gnomAD compares: Non-Finnish European, 0.00017%; no homozygotes.

Submission:

Labcorp Genetics (formerly Invitae), Labcorp
Classification: Uncertain significance for Hereditary spastic paraplegia 39. Last evaluated: 2022-07-20. Review status: criteria provided, single submitter. Criteria: Invitae Variant Classification Sherloc (09022015). Collection method: clinical testing. Allele origin: germline.
Comment: In summary, the available evidence is currently insufficient to determine the role of this variant in disease. Therefore, it has been classified as a Variant of Uncertain Significance. Variants that disrupt the consensus splice site are a relatively common cause of aberrant splicing (PMID: 17576681, 9536098). Algorithms developed to predict the effect of sequence changes on RNA splicing suggest that this variant is not likely to affect RNA splicing. This variant has not been reported in the literature in individuals affected with PNPLA6-related conditions. This variant is not present in population databases (gnomAD no frequency). This sequence change falls in intron 21 of the PNPLA6 gene. It does not directly change the encoded amino acid sequence of the PNPLA6 protein. It affects a nucleotide within the consensus splice site.

Literature cited by the submitters: PubMed 17576681; PubMed 9536098.